The following is an entry in ClinVar:

NM_016239.4(MYO15A):c.10420A>G (p.Ser3474Gly)

Gene: MYO15A (myosin XVA; plus strand). Cytogenetic location: 17p11.2.
Variant type: single nucleotide variant.
Coding change: c.10420A>G on transcript NM_016239.4 (MANE Select); coding-DNA position 10420, A replaced by G.
Protein change: p.Ser3474Gly; replaces serine 3474 with glycine.
Molecular consequence: missense variant.
Genome position (GRCh38, 1-based): chr17:18,173,850, A>G. VCF-style: chr17-18173850-A-G. GRCh37 (hg19) VCF-style: chr17-18077164-A-G.
Other names: short protein forms S3474G.
Identifiers: ClinVar variation 890072 (VCV000890072.16), dbSNP rs150181830, ClinGen allele CA8425934.

ClinVar aggregate classification (germline): Conflicting classifications of pathogenicity. Review status: criteria provided, conflicting classifications (1 of 4 stars). 5 submissions from 5 submitters: Uncertain significance (2); Benign (1); Likely benign (2). Last evaluated 2025-11-09.

Conditions:
Autosomal recessive nonsyndromic hearing loss 3. Also called: NEUROSENSORY NONSYNDROMIC RECESSIVE DEAFNESS 3. Identifiers: Orphanet 90636, MedGen C1838263, MONDO:0010860, OMIM 600316.
MYO15A-related disorder. Also called: MYO15A-related condition.

Allele frequency attached by ClinVar (database versions not stated): gnomAD 0.00012 and 0.00019; TOPMed 0.00029; ExAC 0.00051; gnomAD exomes 0.00051; 1000 Genomes Project 0.00100; 1000 Genomes Project 30x 0.00109.
gnomAD v4.1: 280 of 1,613,314 alleles (0.017%); highest among the groups gnomAD compares: East Asian, 0.54%; 2 homozygotes.

Submissions (5):

Labcorp Genetics (formerly Invitae), Labcorp
Classification: Benign. Last evaluated: 2025-11-09. Review status: criteria provided, single submitter. Criteria: Invitae Variant Classification Sherloc (09022015). Collection method: clinical testing. Allele origin: germline.

PreventionGenetics, part of Exact Sciences
Classification: Likely benign for MYO15A-related condition. Last evaluated: 2024-12-10. Review status: criteria provided, single submitter. Criteria: ACMG Guidelines, 2015. Collection method: clinical testing. Allele origin: germline.
Comment: This variant is classified as likely benign based on ACMG/AMP sequence variant interpretation guidelines (Richards et al. 2015 PMID: 25741868, with internal and published modifications).

Blueprint Genetics
Classification: Uncertain significance. Last evaluated: 2024-07-12. Review status: criteria provided, single submitter. Criteria: ACMG Guidelines, 2015. Collection method: clinical testing. Allele origin: germline.

GeneDx
Classification: Likely benign. Last evaluated: 2018-06-25. Review status: criteria provided, single submitter. Criteria: GeneDx Variant Classification Process June 2021. Collection method: clinical testing. Allele origin: germline. Affected: yes.
Comment: This variant is associated with the following publications: (PMID: 30896630, 30953472, 23865914)

Illumina Laboratory Services, Illumina
Classification: Uncertain significance for Autosomal recessive nonsyndromic hearing loss 3. Last evaluated: 2017-04-27. Review status: criteria provided, single submitter. Criteria: ICSL Variant Classification Criteria 13 December 2019. Collection method: clinical testing. Allele origin: germline.
Comment: This variant was observed as part of a predisposition screen in an ostensibly healthy population. A literature search was performed for the gene, cDNA change, and amino acid change (where applicable). Publications were found based on this search. However, the evidence from the literature, in combination with allele frequency data from public databases where available, was not sufficient to rule this variant in or out of causing disease. Therefore, this variant is classified as a variant of unknown significance.

Literature cited by the submitters: PubMed 23865914 (cited by Illumina Laboratory Services, Illumina).